The following is an entry in ClinVar:

NM_000382.3(ALDH3A2):c.128C>T (p.Thr43Met)

Gene: ALDH3A2 (aldehyde dehydrogenase 3 family member A2; plus strand). Cytogenetic location: 17p11.2.
Variant type: single nucleotide variant.
Coding change: c.128C>T on transcript NM_000382.3 (MANE Select); coding-DNA position 128, C replaced by T.
Protein change: p.Thr43Met; replaces threonine 43 with methionine.
Molecular consequence: missense variant. On other transcripts: 5 prime UTR variant (1).
Genome position (GRCh38, 1-based): chr17:19,649,099, C>T. VCF-style: chr17-19649099-C-T. GRCh37 (hg19) VCF-style: chr17-19552412-C-T.
Other names: c.128C>T, p.Thr43Met (NM_001031806.2, NM_001369136.1, NM_001369137.2 and 3 more transcripts); c.-561C>T (NM_001369148.2); short protein forms T43M.
Identifiers: ClinVar variation 1343473 (VCV001343473.4), dbSNP rs112971072, ClinGen allele CA8442722.
Genomic context (GRCh38, chr17:19,649,099, plus strand): 5'-GGCTGCAGCAGCTGGAGGCCCTGCGGAGGATGGTGCAGGAGCGCGAGAAGGATATCCTGA[C>T]GGCCATCGCCGCCGACCTGTGCAAGGTACGCACGCGTGCGGCGGGGTGTGGGGAAACTGG-3'
Protein context (NP_000373.1, residues 33-53): MVQEREKDIL[Thr43Met]AIAADLCKSE

ClinVar aggregate classification (germline): Uncertain significance. Review status: criteria provided, multiple submitters, no conflicts (2 of 4 stars). 3 submissions from 3 submitters: Uncertain significance (3). Last evaluated 2025-01-18.

Conditions:
Inborn genetic diseases. Identifiers: MedGen C0950123, MeSH D030342.

Allele frequency attached by ClinVar (database versions not stated): gnomAD exomes 0.00002; ExAC 0.00007; ESP Exome Variant Server 0.00008; TOPMed 0.00011; gnomAD 0.00012 and 0.00013; 1000 Genomes Project 30x 0.00016; 1000 Genomes Project 0.00020.

Submissions (3):

Ambry Genetics
Classification: Uncertain significance for Inborn genetic diseases. Last evaluated: 2025-01-18. Review status: criteria provided, single submitter. Criteria: Ambry Variant Classification Scheme 2023. Collection method: clinical testing. Allele origin: germline.

Labcorp Genetics (formerly Invitae), Labcorp
Classification: Uncertain significance. Last evaluated: 2022-08-01. Review status: criteria provided, single submitter. Criteria: Invitae Variant Classification Sherloc (09022015). Collection method: clinical testing. Allele origin: germline.
Comment: This sequence change replaces threonine, which is neutral and polar, with methionine, which is neutral and non-polar, at codon 43 of the ALDH3A2 protein (p.Thr43Met). The frequency data for this variant in the population databases is considered unreliable, as metrics indicate poor data quality at this position in the gnomAD database. This variant has not been reported in the literature in individuals affected with ALDH3A2-related conditions. ClinVar contains an entry for this variant (Variation ID: 1343473). Advanced modeling of protein sequence and biophysical properties (such as structural, functional, and spatial information, amino acid conservation, physicochemical variation, residue mobility, and thermodynamic stability) performed at Invitae indicates that this missense variant is not expected to disrupt ALDH3A2 protein function. In summary, the available evidence is currently insufficient to determine the role of this variant in disease. Therefore, it has been classified as a Variant of Uncertain Significance.

Women's Health and Genetics/Laboratory Corporation of America, LabCorp
Classification: Uncertain significance. Last evaluated: 2022-02-18. Review status: criteria provided, single submitter. Criteria: LabCorp Variant Classification Summary - May 2015. Collection method: clinical testing. Allele origin: germline.